The following is an entry in ClinVar:

ClinVar aggregate classification (germline): Uncertain significance (1 of 4 stars; one submission).

gnomAD v4.1: 1 of 1,556,728 alleles (0.000064%); highest among the groups gnomAD compares: Non-Finnish European, 0.000087%; no homozygotes.

Submission:

Labcorp Genetics (formerly Invitae), Labcorp
Classification: Uncertain significance. Last evaluated: 2025-02-04. Review status: criteria provided, single submitter. Criteria: Invitae Variant Classification Sherloc (09022015). Collection method: clinical testing. Allele origin: germline.
Comment: This sequence change replaces valine, which is neutral and non-polar, with alanine, which is neutral and non-polar, at codon 128 of the PDE4D protein (p.Val128Ala). This variant is not present in population databases (gnomAD no frequency). This variant has not been reported in the literature in individuals affected with PDE4D-related conditions. An algorithm developed to predict the effect of missense changes on protein structure and function (PolyPhen-2) suggests that this variant is likely to be tolerated. In summary, the available evidence is currently insufficient to determine the role of this variant in disease. Therefore, it has been classified as a Variant of Uncertain Significance.

NM_001104631.2(PDE4D):c.383T>C (p.Val128Ala)

Gene: PDE4D (phosphodiesterase 4D; minus strand). Cytogenetic location: 5q12.1.
Variant type: single nucleotide variant.
Coding change: c.383T>C on transcript NM_001104631.2 (MANE Select); coding-DNA position 383, T replaced by C.
Protein change: p.Val128Ala; replaces valine 128 with alanine.
Molecular consequence: missense variant. On other transcripts: intron variant (5).
Genome position (GRCh38, 1-based): chr5:59,893,240, A>G on the plus strand (T>C on the coding strand, the complement: PDE4D is on the minus strand). VCF-style: chr5-59893240-A-G. GRCh37 (hg19) VCF-style: chr5-59189067-A-G.
Other names: c.272+95248T>C (NM_001364599.1, NM_001165899.2, NM_001364600.2); c.-240+95248T>C (NM_001349243.2); c.242+95248T>C (NM_001349241.2); short protein forms V128A.
Identifiers: ClinVar variation 4712320 (VCV004712320.1).